The following is an entry in ClinVar:

ClinVar aggregate classification (germline): Uncertain significance (1 of 4 stars; one submission).

Conditions:
Duchenne muscular dystrophy (DMD). Also called: MUSCULAR DYSTROPHY, PSEUDOHYPERTROPHIC PROGRESSIVE, DUCHENNE TYPE; Duchenne Muscular Dystrophy (DMD). Identifiers: Orphanet 98896, MedGen C0013264, MONDO:0010679, OMIM 310200.

Allele frequency attached by ClinVar (database versions not stated): gnomAD exomes below 0.00001.
gnomAD v4.1: 1 of 1,211,291 alleles (0.000083%); highest among the groups gnomAD compares: Non-Finnish European, 0.00011%; no homozygotes.

Submission:

Labcorp Genetics (formerly Invitae), Labcorp
Classification: Uncertain significance for Duchenne muscular dystrophy. Last evaluated: 2023-10-18. Review status: criteria provided, single submitter. Criteria: Invitae Variant Classification Sherloc (09022015). Collection method: clinical testing. Allele origin: germline.
Comment: This sequence change replaces leucine, which is neutral and non-polar, with valine, which is neutral and non-polar, at codon 2246 of the DMD protein (p.Leu2246Val). This variant is not present in population databases (gnomAD no frequency). This variant has not been reported in the literature in individuals affected with DMD-related conditions. Advanced modeling of protein sequence and biophysical properties (such as structural, functional, and spatial information, amino acid conservation, physicochemical variation, residue mobility, and thermodynamic stability) performed at Invitae indicates that this missense variant is not expected to disrupt DMD protein function. In summary, the available evidence is currently insufficient to determine the role of this variant in disease. Therefore, it has been classified as a Variant of Uncertain Significance.

NM_004006.3(DMD):c.6736C>G (p.Leu2246Val)

Gene: DMD (dystrophin; minus strand). Cytogenetic location: Xp21.1.
Variant type: single nucleotide variant.
Coding change: c.6736C>G on transcript NM_004006.3 (MANE Select); coding-DNA position 6736, C replaced by G.
Protein change: p.Leu2246Val; replaces leucine 2246 with valine.
Molecular consequence: missense variant. On other transcripts: 5 prime UTR variant (5).
Genome position (GRCh38, 1-based): chrX:31,932,106, G>C on the plus strand (C>G on the coding strand, the complement: DMD is on the minus strand). VCF-style: chrX-31932106-G-C. GRCh37 (hg19) VCF-style: chrX-31950223-G-C.
Other names: c.6712C>G, p.Leu2238Val (NM_000109.4); c.6724C>G, p.Leu2242Val (NM_004009.3); c.6367C>G, p.Leu2123Val (NM_004010.3); c.2713C>G, p.Leu905Val (NM_004011.4); c.2704C>G, p.Leu902Val (NM_004012.4); c.-645C>G (NM_004013.3, NM_004020.4, NM_004021.3 and 2 more transcripts); short protein forms L2123V, L2246V, L2242V, L902V, L2238V, L905V.
Identifiers: ClinVar variation 2768619 (VCV002768619.3), dbSNP rs2533456939, ClinGen allele CA412658143.